The following is an entry in ClinVar:

ClinVar aggregate classification (germline): Uncertain significance. Review status: criteria provided, multiple submitters, no conflicts (2 of 4 stars). 4 submissions from 4 submitters: Uncertain significance (4). Last evaluated 2025-02-23.

Conditions:
Progressive familial heart block type IB (PFHB1B). Identifiers: Orphanet 871, MedGen C1970298, MONDO:0011474, OMIM 604559.
Cardiovascular phenotype. Identifiers: MedGen CN230736.
Erythrokeratodermia variabilis et progressiva 6. Identifiers: MedGen C5193144, MONDO:0032801, OMIM 618531.

Allele frequency attached by ClinVar (database versions not stated): TOPMed 0.00001; gnomAD exomes 0.00001; ExAC 0.00001; gnomAD 0.00001.

Submissions (4):

Labcorp Genetics (formerly Invitae), Labcorp
Classification: Uncertain significance for Progressive familial heart block type IB. Last evaluated: 2025-02-23. Review status: criteria provided, single submitter. Criteria: Invitae Variant Classification Sherloc (09022015). Collection method: clinical testing. Allele origin: germline.
Comment: This sequence change replaces asparagine, which is neutral and polar, with serine, which is neutral and polar, at codon 913 of the TRPM4 protein (p.Asn913Ser). This variant is present in population databases (rs749667228, gnomAD 0.007%). This variant has not been reported in the literature in individuals affected with TRPM4-related conditions. ClinVar contains an entry for this variant (Variation ID: 1316349). An algorithm developed to predict the effect of missense changes on protein structure and function (PolyPhen-2) suggests that this variant is likely to be disruptive. In summary, the available evidence is currently insufficient to determine the role of this variant in disease. Therefore, it has been classified as a Variant of Uncertain Significance.

Ambry Genetics
Classification: Uncertain significance for Cardiovascular phenotype. Last evaluated: 2024-11-30. Review status: criteria provided, single submitter. Criteria: Ambry Variant Classification Scheme 2023. Collection method: clinical testing. Allele origin: germline.
Comment: The p.N913S variant (also known as c.2738A>G), located in coding exon 18 of the TRPM4 gene, results from an A to G substitution at nucleotide position 2738. The asparagine at codon 913 is replaced by serine, an amino acid with highly similar properties. This amino acid position is conserved. In addition, this alteration is predicted to be tolerated by in silico analysis. Since supporting evidence is limited at this time, the clinical significance of this alteration remains unclear.

Fulgent Genetics
Classification: Uncertain significance for Progressive familial heart block type IB; Erythrokeratodermia variabilis et progressiva 6. Last evaluated: 2022-04-14. Review status: criteria provided, single submitter. Criteria: ACMG Guidelines, 2015. Collection method: clinical testing. Allele origin: unknown.

GeneDx
Classification: Uncertain significance. Last evaluated: 2019-09-11. Review status: criteria provided, single submitter. Criteria: GeneDx Variant Classification Process June 2021. Collection method: clinical testing. Allele origin: germline. Affected: yes.
Comment: Has not been previously published as pathogenic or benign to our knowledge; Not observed at a significant frequency in large population cohorts (Lek et al., 2016); In silico analysis, which includes protein predictors and evolutionary conservation, supports that this variant does not alter protein structure/function

NM_017636.4(TRPM4):c.2738A>G (p.Asn913Ser)

Gene: TRPM4 (transient receptor potential cation channel subfamily M member 4; plus strand). Cytogenetic location: 19q13.33.
Variant type: single nucleotide variant.
Coding change: c.2738A>G on transcript NM_017636.4 (MANE Select); coding-DNA position 2738, A replaced by G.
Protein change: p.Asn913Ser; replaces asparagine 913 with serine.
Molecular consequence: missense variant.
Genome position (GRCh38, 1-based): chr19:49,200,392, A>G. VCF-style: chr19-49200392-A-G. GRCh37 (hg19) VCF-style: chr19-49703649-A-G.
Other names: c.2303A>G, p.Asn768Ser (NM_001195227.2); c.2393A>G, p.Asn798Ser (NM_001321281.2); c.1130A>G, p.Asn377Ser (NM_001321282.2); c.2216A>G, p.Asn739Ser (NM_001321283.2); c.1676A>G, p.Asn559Ser (NM_001321285.2); short protein forms N377S, N559S, N739S, N768S, N798S, N913S.
Identifiers: ClinVar variation 1316349 (VCV001316349.8), dbSNP rs749667228, ClinGen allele CA9569630.